The following is an entry in ClinVar:

NM_213599.3(ANO5):c.2520+206T>C

Gene: ANO5 (anoctamin 5; plus strand). Cytogenetic location: 11p14.3.
Variant type: single nucleotide variant.
Coding change: c.2520+206T>C on transcript NM_213599.3 (MANE Select); 206 bases into the intron after coding-DNA position 2520, T replaced by C.
Molecular consequence: intron variant.
Genome position (GRCh38, 1-based): chr11:22,276,405, T>C. VCF-style: chr11-22276405-T-C. GRCh37 (hg19) VCF-style: chr11-22297951-T-C.
Other names: c.2517+206T>C (NM_001142649.2).
Identifiers: ClinVar variation 677996 (VCV000677996.1), dbSNP rs75315439, ClinGen allele CA218777967.

ClinVar aggregate classification (germline): Benign (1 of 4 stars; one submission).

Allele frequency attached by ClinVar (database versions not stated): gnomAD 0.04395 and 0.04639; TOPMed 0.05074; 1000 Genomes Project 30x 0.10087; 1000 Genomes Project 0.10264.
gnomAD v4.1: 6,985 of 151,804 alleles (4.6%); highest among the groups gnomAD compares: East Asian, 21%; 442 homozygotes.

Submission:

GeneDx
Classification: Benign. Last evaluated: 2018-06-19. Review status: criteria provided, single submitter. Criteria: GeneDx Variant Classification (06012015). Collection method: clinical testing. Allele origin: germline. Affected: yes.
Comment: This variant is considered likely benign or benign based on one or more of the following criteria: it is a conservative change, it occurs at a poorly conserved position in the protein, it is predicted to be benign by multiple in silico algorithms, and/or has population frequency not consistent with disease.